The following is an entry in ClinVar:

ClinVar aggregate classification (germline): Uncertain significance. Review status: criteria provided, multiple submitters, no conflicts (2 of 4 stars). 2 submissions from 2 submitters: Uncertain significance (2). Last evaluated 2024-05-28.

Conditions:
Tumor predisposition syndrome 3 (TPDS3). Also called: LONG TELOMERE SYNDROME, POT1-RELATED; POT1 Tumor Predisposition; Melanoma, cutaneous malignant, susceptibility to, 10; Glioma susceptibility 9. Identifiers: Orphanet 618, MedGen C4014476, MONDO:0014368, OMIM 615848.

gnomAD v4.1: 2 of 1,612,650 alleles (0.00012%); highest among the groups gnomAD compares: Middle Eastern, 0.017%; no homozygotes.

Submissions (2):

Quest Diagnostics Nichols Institute San Juan Capistrano
Classification: Uncertain significance. Last evaluated: 2024-05-28. Review status: criteria provided, single submitter. Criteria: Quest Diagnostics criteria. Collection method: clinical testing. Allele origin: unknown.
Comment: The POT1 c.1207G>C (p.Asp403His) variant has not been reported in individuals with POT1-related conditions in the published literature. It also has not been reported in large, multi-ethnic general populations (Genome Aggregation Database). Analysis of this variant using bioinformatics tools for the prediction of the effect of amino acid changes on protein structure and function yielded predictions that this variant is benign. Based on the available information, we are unable to determine the clinical significance of this variant.

Labcorp Genetics (formerly Invitae), Labcorp
Classification: Uncertain significance for Tumor predisposition syndrome 3. Last evaluated: 2022-03-12. Review status: criteria provided, single submitter. Criteria: Invitae Variant Classification Sherloc (09022015). Collection method: clinical testing. Allele origin: germline.
Comment: In summary, the available evidence is currently insufficient to determine the role of this variant in disease. Therefore, it has been classified as a Variant of Uncertain Significance. Algorithms developed to predict the effect of missense changes on protein structure and function (SIFT, PolyPhen-2, Align-GVGD) all suggest that this variant is likely to be tolerated. This variant has not been reported in the literature in individuals affected with POT1-related conditions. This variant is not present in population databases (gnomAD no frequency). This sequence change replaces aspartic acid, which is acidic and polar, with histidine, which is basic and polar, at codon 403 of the POT1 protein (p.Asp403His).

NM_015450.3(POT1):c.1207G>C (p.Asp403His)

Gene: POT1 (protection of telomeres 1; minus strand). Cytogenetic location: 7q31.33.
Variant type: single nucleotide variant.
Coding change: c.1207G>C on transcript NM_015450.3 (MANE Select); coding-DNA position 1207, G replaced by C.
Protein change: p.Asp403His; replaces aspartic acid 403 with histidine.
Molecular consequence: missense variant. On other transcripts: non-coding transcript variant (3).
Genome position (GRCh38, 1-based): chr7:124,841,135, C>G on the plus strand (G>C on the coding strand, the complement: POT1 is on the minus strand). VCF-style: chr7-124841135-C-G. GRCh37 (hg19) VCF-style: chr7-124481189-C-G.
Other names: c.1207G>C (NM_015450.2); c.814G>C, p.Asp272His (NM_001042594.2); short protein forms D403H, D272H.
Identifiers: ClinVar variation 1942701 (VCV001942701.6), dbSNP rs866261185, ClinGen allele CA166104513.